The following is an entry in ClinVar:

ClinVar aggregate classification (germline): Likely benign (1 of 4 stars; one submission).

Submission:

CeGaT Center for Human Genetics Tuebingen
Classification: Likely benign. Last evaluated: 2024-10-01. Review status: criteria provided, single submitter. Criteria: CeGaT Center For Human Genetics Tuebingen Variant Classification Criteria Version 2. Collection method: clinical testing. Allele origin: germline. Affected: yes. Observed: 2 variant alleles.
Comment: PLAT: PM2:Supporting, BP4, BP7

NM_000930.5(PLAT):c.774A>C (p.Ala258=)

Genes: PLAT (plasminogen activator, tissue type; minus strand), LOC130000296 (ATAC-STARR-seq lymphoblastoid active region 27302; plus strand). Cytogenetic location: 8p11.21.
Variant type: single nucleotide variant.
Coding change: c.774A>C on transcript NM_000930.5 (MANE Select); coding-DNA position 774, A replaced by C.
Protein change: p.Ala258=; no amino-acid change (alanine 258 retained).
Molecular consequence: synonymous variant.
Genome position (GRCh38, 1-based): chr8:42,182,748, T>G on the plus strand (A>C on the coding strand, the complement: PLAT is on the minus strand). VCF-style: chr8-42182748-T-G. GRCh37 (hg19) VCF-style: chr8-42040266-T-G.
Other names: c.507A>C, p.Ala169= (NM_001319189.2); c.636A>C, p.Ala212= (NM_033011.4).
Identifiers: ClinVar variation 2658581 (VCV002658581.24), dbSNP rs2486757968, ClinGen allele CA460554983.
Genomic context (GRCh38, chr8:42,182,748, plus strand): 5'-GACCTGAACCCCCCACCCCTGTGCTACCTACCGGCAGTAATTATGTTTGCCCAGGCCCAG[T>G]GCCTGGGCACTGGGGTTCTGTGCTGTGTAAACCTTGCCTATCAGGATCATGGAATTCCAC-3'
Protein context (NP_000921.1, residues 248-268): VYTAQNPSAQ[Ala258=]LGLGKHNYCR